The following is an entry in ClinVar:

NM_000490.5(AVP):c.64_66del (p.Phe22del)

Gene: AVP (arginine vasopressin; minus strand). Cytogenetic location: 20p13.
Variant type: Deletion.
Coding change: c.64_66del on transcript NM_000490.5 (MANE Select); coding-DNA positions 64 to 66, 3 bases deleted (TTC; older notation c.64_66delTTC).
Protein change: p.Phe22del; deletes phenylalanine 22.
Molecular consequence: inframe deletion.
Genome position (GRCh38, 1-based): chr20:3,084,609-3,084,611, GAA deleted on the plus strand (TTC on the coding strand, the reverse complement: AVP is on the minus strand); deleting any 3 consecutive bases within chr20:3,084,609-3,084,612 gives the same sequence; the c. name uses the placement nearest the transcript's 3' end. VCF-style (leftmost placement, unchanged base first): chr20-3084608-GGAA-G. GRCh37 (hg19) VCF-style: chr20-3065254-GGAA-G.
Other names: short protein forms F22del.
Identifiers: ClinVar variation 12222 (VCV000012222.3), dbSNP rs2148571804, ClinGen allele CA2580097979.

ClinVar aggregate classification (germline): Uncertain significance. Review status: criteria provided, single submitter (1 of 4 stars). 2 submissions from 2 submitters: Uncertain significance (1). 1 of the submissions does not count toward it. Last evaluated 2025-01-29.

Conditions:
Neurohypophyseal diabetes insipidus. Also called: Diabetes Insipidus, Neurogenic; Hereditary arginine vasopressin deficiency; DIABETES INSIPIDUS, PRIMARY CENTRAL. Identifiers: Orphanet 178029, Orphanet 30925, MedGen C0342394, MONDO:0007450, OMIM 125700.

Submissions (2):

Labcorp Genetics (formerly Invitae), Labcorp
Classification: Uncertain significance. Last evaluated: 2025-01-29. Review status: criteria provided, single submitter. Criteria: Invitae Variant Classification Sherloc (09022015). Collection method: clinical testing. Allele origin: germline.
Comment: This variant, c.64_66del, results in the deletion of 1 amino acid(s) of the AVP protein (p.Phe22del), but otherwise preserves the integrity of the reading frame. This variant is not present in population databases (gnomAD no frequency). This variant has been observed in individual(s) with neurohypophyseal diabetes insipidus (PMID: 15070970). It has also been observed to segregate with disease in related individuals. ClinVar contains an entry for this variant (Variation ID: 12222). In summary, the available evidence is currently insufficient to determine the role of this variant in disease. Therefore, it has been classified as a Variant of Uncertain Significance.

OMIM
Classification: Pathogenic for DIABETES INSIPIDUS, NEUROHYPOPHYSEAL. Last evaluated: 2004-04-01. Review status: no assertion criteria provided. Collection method: literature only. Allele origin: germline. Not counted in ClinVar's aggregate classification.

Literature cited by the submitters: PubMed 15070970 (cited by Labcorp Genetics (formerly Invitae), Labcorp and OMIM).